The following is an entry in ClinVar:

NM_001372106.1(DNAH10):c.7956G>A (p.Thr2652=)

Gene: DNAH10 (dynein axonemal heavy chain 10; plus strand). Cytogenetic location: 12q24.31.
Variant type: single nucleotide variant.
Coding change: c.7956G>A on transcript NM_001372106.1 (MANE Select); coding-DNA position 7956, G replaced by A.
Protein change: p.Thr2652=; no amino-acid change (threonine 2652 retained).
Molecular consequence: synonymous variant.
Genome position (GRCh38, 1-based): chr12:123,875,248, G>A. VCF-style: chr12-123875248-G-A. GRCh37 (hg19) VCF-style: chr12-124359795-G-A.
Other names: c.7602G>A, p.Thr2534= (NM_001083900.1, NM_207437.3).
Identifiers: ClinVar variation 2643530 (VCV002643530.24), dbSNP rs373058539, ClinGen allele CA6864647.
Genomic context (GRCh38, chr12:123,875,248, plus strand): 5'-TTGCGATACTACTGTTCTCTTTTCTTTTTTAAAAAAAATCAAGGTGGATGAATATGGCAC[G>A]CAGCAGCCCATTGCCTTGCTGAAGCTGCTGTTGGAAAAAGGCTACTTATATGACCGTGGG-3'
Protein context (NP_001359035.1, residues 2642-2662): MNMPRVDEYG[Thr2652=]QQPIALLKLL

ClinVar aggregate classification (germline): Likely benign (1 of 4 stars; one submission).

Allele frequency attached by ClinVar (database versions not stated): TOPMed 0.00002; ExAC 0.00003; gnomAD 0.00003; ESP Exome Variant Server 0.00008.

Submission:

CeGaT Center for Human Genetics Tuebingen
Classification: Likely benign. Last evaluated: 2022-03-01. Review status: criteria provided, single submitter. Criteria: CeGaT Center For Human Genetics Tuebingen Variant Classification Criteria Version 2. Collection method: clinical testing. Allele origin: germline. Affected: yes. Observed: 1 variant allele.
Comment: DNAH10: BP4, BP7